The following is an entry in ClinVar:

ClinVar aggregate classification (germline): Likely pathogenic (1 of 4 stars; one submission).

Conditions:
Bloom syndrome (BLM). Also called: Bloom-Torre-Machacek syndrome. Identifiers: Orphanet 125, MedGen C0005859, MONDO:0008876, OMIM 210900.

Submission:

Labcorp Genetics (formerly Invitae), Labcorp
Classification: Likely pathogenic for Bloom syndrome. Last evaluated: 2022-01-19. Review status: criteria provided, single submitter. Criteria: Invitae Variant Classification Sherloc (09022015). Collection method: clinical testing. Allele origin: germline.
Comment: This variant results in a copy number gain of the genomic region encompassing exon(s) 13-15 of the BLM gene. While the exact position of this variant cannot be determined from the data, sub-genic copy number gains are generally in tandem (PMID: 25640679). This variant is predicted to be out-of-frame, and may result in an absent or disrupted protein product. Loss-of-function variants in BLM are known to be pathogenic (PMID: 17407155). This variant has not been reported in the literature in individuals affected with BLM-related conditions. In summary, the currently available evidence indicates that the variant is pathogenic, but additional data are needed to prove that conclusively. Therefore, this variant has been classified as Likely Pathogenic.

Literature cited by the submitters: PubMed 25640679; PubMed 17407155.

NC_000015.9:g.(?_91326042)_(91334084_?)dup

Gene: BLM (BLM RecQ like helicase; plus strand). Cytogenetic location: 15q26.1.
Variant type: Duplication.
Identifiers: ClinVar variation 2422259 (VCV002422259.2).